The following is an entry in ClinVar:

ClinVar aggregate classification (germline): Benign. Review status: reviewed by expert panel (3 of 4 stars). 7 submissions from 7 submitters: Benign (1). 6 of the submissions do not count toward it. Last evaluated 2015-01-12.

Conditions:
Hereditary breast ovarian cancer syndrome. Also called: Hereditary breast and/or ovarian cancer syndrome; Breast and ovarian cancer; Hereditary breast and ovarian cancer syndrome; Hereditary breast and ovarian cancer; Hereditary breast and ovarian cancer syndrome (HBOC); BRCA1- and BRCA2-Associated Hereditary Breast and Ovarian Cancer. Identifiers: Orphanet 145, MedGen C0677776, MeSH D061325, MONDO:0003582. Disease mechanism: loss of function.
Breast-ovarian cancer, familial, susceptibility to, 1 (BROVCA1). Also called: BRCA1 Hereditary Breast and Ovarian Cancer; OVARIAN CANCER, SUSCEPTIBILITY TO. Identifiers: Orphanet 145, MedGen C2676676, MONDO:0011450, OMIM 604370. Disease mechanism: loss of function.

Submissions (7):

Evidence-based Network for the Interpretation of Germline Mutant Alleles (ENIGMA)
Classification: Benign for Breast-ovarian cancer, familial 1. Last evaluated: 2015-01-12. Review status: reviewed by expert panel. Criteria: ENIGMA BRCA1/2 Classification Criteria (2015). Collection method: curation. Allele origin: germline.
Comment: Class 1 not pathogenic based on frequency >1% in an outbred sampleset. Frequency 0.1 (African), derived from 1000 genomes (2012-04-30).

National Health Laboratory Service, Universitas Academic Hospital and University of the Free State
Classification: Benign for Hereditary breast ovarian cancer syndrome. Last evaluated: 2022-04-19. Review status: criteria provided, single submitter. Criteria: ACMG Guidelines, 2015. Collection method: clinical testing. Allele origin: germline. Affected: yes. Observed: 42 variant alleles. Not counted in ClinVar's aggregate classification.

Clinical Genetics DNA and cytogenetics Diagnostics Lab, Erasmus MC, Erasmus Medical Center
Classification: Benign for Breast-ovarian cancer, familial, susceptibility to, 1. Last evaluated: 2015-09-21. Review status: criteria provided, single submitter. Criteria: ACGS Guidelines, 2013. Collection method: clinical testing. Allele origin: germline. Affected: yes. Study: VKGL Data-share Consensus. Not counted in ClinVar's aggregate classification.

GeneDx
Classification: Benign. Last evaluated: 2015-03-03. Review status: criteria provided, single submitter. Criteria: GeneDx Variant Classification Process June 2021. Collection method: clinical testing. Allele origin: germline. Affected: yes. Not counted in ClinVar's aggregate classification.

Breast Cancer Information Core (BIC) (BRCA1)
Classification: Uncertain significance for Breast-ovarian cancer, familial 1. Last evaluated: 2010-12-17. Review status: no assertion criteria provided. Collection method: clinical testing. Allele origin: germline. Affected: yes. Observed: 1 variant allele. Not counted in ClinVar's aggregate classification.

Clinical Genetics Laboratory, Department of Pathology, Netherlands Cancer Institute
Classification: Likely benign. Review status: no assertion criteria provided. Collection method: clinical testing. Allele origin: germline. Affected: yes. Study: VKGL Data-share Consensus. Not counted in ClinVar's aggregate classification.

Department of Pathology and Laboratory Medicine, Sinai Health System
Classification: Likely benign. Review status: no assertion criteria provided. Collection method: clinical testing. Allele origin: unknown. Affected: yes. Observed: 2 variant alleles. Study: The Canadian Open Genetics Repository (COGR). Not counted in ClinVar's aggregate classification.

Literature cited by the submitters: DOI 10.3389/fgene.2022.834265 (cited by National Health Laboratory Service, Universitas Academic Hospital and University of the Free State).

NM_007294.4(BRCA1):c.5152+85del

Gene: BRCA1 (BRCA1 DNA repair associated; minus strand). Cytogenetic location: 17q21.31.
Variant type: Deletion.
Coding change: c.5152+85del on transcript NM_007294.4 (MANE Select); 85 bases into the intron after coding-DNA position 5152, one base deleted (T; older notation c.5152+85delT).
Molecular consequence: intron variant.
Genome position (GRCh38, 1-based): chr17:43,063,789, A deleted on the plus strand (T on the coding strand, the reverse complement: BRCA1 is on the minus strand); the first of 5 consecutive A bases (chr17:43,063,789-43,063,793); deleting any one gives the same sequence. VCF-style (leftmost placement, unchanged base first): chr17-43063788-CA-C. GRCh37 (hg19) VCF-style: chr17-41215805-CA-C.
Other names: IVS18+85delT; IVS 18+85del; c.5152+85delT (NM_007294.3); c.1699+85del (NM_001408458.1, NM_001408461.1, NM_001408464.1 and 7 more transcripts); c.4261+85del (NM_001407967.1); c.4771+85del (NM_001407959.1); c.4885+85del (NM_001407931.1, NM_001407932.1, NM_001407928.1 and 4 more transcripts); c.5008+85del (NM_001407747.1, NM_001407745.1, NM_001407737.1 and 21 more transcripts); and 76 more.
Identifiers: ClinVar variation 125782 (VCV000125782.22), dbSNP rs8176259, ClinGen allele CA268337.